The following is an entry in ClinVar:

ClinVar aggregate classification (germline): Likely pathogenic. Review status: criteria provided, single submitter (1 of 4 stars). 2 submissions from 2 submitters: Likely pathogenic (1). 1 of the submissions does not count toward it. Last evaluated 2026-07-30.

Conditions:
Gastric cancer. Also called: Malignant tumor of stomach; Stomach cancer. Identifiers: MedGen C0024623, MeSH D013274, MONDO:0001056, OMIM 613659, HP:0012126.
Breast-ovarian cancer, familial, susceptibility to, 2 (BROVCA2). Also called: BRCA2 Hereditary Breast and Ovarian Cancer. Identifiers: Orphanet 145, MedGen C2675520, MONDO:0012933, OMIM 612555. Disease mechanism: loss of function.

Submissions (2):

Myriad Genetics, Inc.
Classification: Likely pathogenic for Breast-ovarian cancer, familial, susceptibility to, 2. Last evaluated: 2026-07-30. Review status: criteria provided, single submitter. Criteria: Myriad Autosomal Dominant, Autosomal Recessive and X-Linked Classification Criteria (2023). Collection method: clinical testing. Allele origin: unknown.
Comment: This variant is considered likely pathogenic. This variant occurs within a consensus splice junction and is predicted to result in abnormal mRNA splicing of either an out-of-frame exon or an in-frame exon necessary for protein stability and/or normal function.

Laboratory for Genotyping Development, RIKEN
Classification: Pathogenic for Gastric cancer. Last evaluated: 2021-07-01. Review status: no assertion criteria provided. Collection method: research. Allele origin: germline. Not counted in ClinVar's aggregate classification.

Literature cited by the submitters: PubMed 36988593 (cited by Laboratory for Genotyping Development, RIKEN).

NM_000059.4(BRCA2):c.9648+1G>T

Gene: BRCA2 (BRCA2 DNA repair associated; plus strand). Cytogenetic location: 13q13.1.
Variant type: single nucleotide variant.
Coding change: c.9648+1G>T on transcript NM_000059.4 (MANE Select); the canonical splice donor site of the intron after coding-DNA position 9648, G replaced by T.
Molecular consequence: splice donor variant.
Genome position (GRCh38, 1-based): chr13:32,397,045, G>T. VCF-style: chr13-32397045-G-T. GRCh37 (hg19) VCF-style: chr13-32971182-G-T.
Other names: c.9597+1G>T (NM_001406720.1); c.9552+1G>T (NM_001406719.1); c.4716+1G>T (NM_001406721.1); c.3231+1G>T (NM_001406722.1).
Identifiers: ClinVar variation 1801542 (VCV001801542.2), dbSNP rs730881573, ClinGen allele CA387763868.